The following is an entry in ClinVar:

NM_004655.4(AXIN2):c.1860G>T (p.Trp620Cys)

Gene: AXIN2 (axin 2; minus strand). Cytogenetic location: 17q24.1.
Variant type: single nucleotide variant.
Coding change: c.1860G>T on transcript NM_004655.4 (MANE Select); coding-DNA position 1860, G replaced by T.
Protein change: p.Trp620Cys; replaces tryptophan 620 with cysteine.
Molecular consequence: missense variant. On other transcripts: intron variant (1).
Genome position (GRCh38, 1-based): chr17:65,536,916, C>A on the plus strand (G>T on the coding strand, the complement: AXIN2 is on the minus strand). VCF-style: chr17-65536916-C-A. GRCh37 (hg19) VCF-style: chr17-63533034-C-A.
Other names: c.1713-363G>T (NM_001363813.1); short protein forms W620C.
Identifiers: ClinVar variation 2819744 (VCV002819744.3), dbSNP rs2144448944, ClinGen allele CA400676474.

ClinVar aggregate classification (germline): Uncertain significance (1 of 4 stars; one submission).

Conditions:
Oligodontia-cancer predisposition syndrome. Also called: TOOTH AGENESIS-COLORECTAL CANCER SYNDROME. Identifiers: Orphanet 300576, MedGen C1837750, MONDO:0012075, OMIM 608615. Disease mechanism: loss of function.

Submission:

Labcorp Genetics (formerly Invitae), Labcorp
Classification: Uncertain significance for Oligodontia-cancer predisposition syndrome. Last evaluated: 2025-08-03. Review status: criteria provided, single submitter. Criteria: Invitae Variant Classification Sherloc (09022015). Collection method: clinical testing. Allele origin: germline.
Comment: This sequence change replaces tryptophan, which is neutral and slightly polar, with cysteine, which is neutral and slightly polar, at codon 620 of the AXIN2 protein (p.Trp620Cys). This variant is not present in population databases (gnomAD no frequency). This variant has not been reported in the literature in individuals affected with AXIN2-related conditions. ClinVar contains an entry for this variant (Variation ID: 2819744). Invitae Evidence Modeling of protein sequence and biophysical properties (such as structural, functional, and spatial information, amino acid conservation, physicochemical variation, residue mobility, and thermodynamic stability) has been performed for this missense variant. However, the output from this modeling did not meet the statistical confidence thresholds required to predict the impact of this variant on AXIN2 protein function. In summary, the available evidence is currently insufficient to determine the role of this variant in disease. Therefore, it has been classified as a Variant of Uncertain Significance.